The following is an entry in ClinVar:

ClinVar aggregate classification (germline): Uncertain significance. Review status: criteria provided, multiple submitters, no conflicts (2 of 4 stars). 2 submissions from 2 submitters: Uncertain significance (2). Last evaluated 2026-05-13.

Allele frequency attached by ClinVar (database versions not stated): gnomAD 0.00001 and 0.00002; gnomAD exomes 0.00001; ExAC 0.00001; TOPMed 0.00003.
gnomAD v4.1: 8 of 1,613,992 alleles (0.0005%); highest among the groups gnomAD compares: Admixed American, 0.0067%; no homozygotes.

Submissions (2):

Women's Health and Genetics/Laboratory Corporation of America, LabCorp
Classification: Uncertain significance. Last evaluated: 2026-05-13. Review status: criteria provided, single submitter. Criteria: LabCorp Variant Classification Summary - May 2015. Collection method: clinical testing. Allele origin: germline.

Labcorp Genetics (formerly Invitae), Labcorp
Classification: Uncertain significance. Last evaluated: 2022-05-12. Review status: criteria provided, single submitter. Criteria: Invitae Variant Classification Sherloc (09022015). Collection method: clinical testing. Allele origin: germline.
Comment: This sequence change replaces proline, which is neutral and non-polar, with leucine, which is neutral and non-polar, at codon 533 of the COL9A1 protein (p.Pro533Leu). This variant is present in population databases (rs768487303, gnomAD 0.003%). This variant has not been reported in the literature in individuals affected with COL9A1-related conditions. Advanced modeling of protein sequence and biophysical properties (such as structural, functional, and spatial information, amino acid conservation, physicochemical variation, residue mobility, and thermodynamic stability) performed at Invitae indicates that this missense variant is not expected to disrupt COL9A1 protein function. In summary, the available evidence is currently insufficient to determine the role of this variant in disease. Therefore, it has been classified as a Variant of Uncertain Significance.

NM_001851.6(COL9A1):c.1598C>T (p.Pro533Leu)

Gene: COL9A1 (collagen type IX alpha 1 chain; minus strand). Cytogenetic location: 6q13.
Variant type: single nucleotide variant.
Coding change: c.1598C>T on transcript NM_001851.6 (MANE Select); coding-DNA position 1598, C replaced by T.
Protein change: p.Pro533Leu; replaces proline 533 with leucine.
Molecular consequence: missense variant. On other transcripts: non-coding transcript variant (1).
Genome position (GRCh38, 1-based): chr6:70,255,163, G>A on the plus strand (C>T on the coding strand, the complement: COL9A1 is on the minus strand). VCF-style: chr6-70255163-G-A. GRCh37 (hg19) VCF-style: chr6-70964866-G-A.
Other names: c.869C>T, p.Pro290Leu (NM_001377289.1, NM_001377290.1, NM_078485.4); short protein forms P533L, P290L.
Identifiers: ClinVar variation 1510183 (VCV001510183.7), dbSNP rs768487303, ClinGen allele CA3882127.